The following is an entry in ClinVar:

ClinVar aggregate classification (germline): Uncertain significance. Review status: criteria provided, multiple submitters, no conflicts (2 of 4 stars). 2 submissions from 2 submitters: Uncertain significance (2). Last evaluated 2024-11-27.

Allele frequency attached by ClinVar (database versions not stated): gnomAD exomes below 0.00001 and 0.00001; ExAC 0.00001; gnomAD 0.00002; TOPMed 0.00003.
gnomAD v4.1: 5 of 1,610,262 alleles (0.00031%); highest among the groups gnomAD compares: African/African-American, 0.0053%; no homozygotes.

Submissions (2):

Ambry Genetics
Classification: Uncertain significance. Last evaluated: 2024-11-27. Review status: criteria provided, single submitter. Criteria: Ambry Variant Classification Scheme 2023. Collection method: clinical testing. Allele origin: germline.
Comment: The p.Q136R variant (also known as c.407A>G), located in coding exon 3 of the A2ML1 gene, results from an A to G substitution at nucleotide position 407. The glutamine at codon 136 is replaced by arginine, an amino acid with highly similar properties. This amino acid position is conserved. In addition, this alteration is predicted to be tolerated by in silico analysis. Since supporting evidence is limited at this time, the clinical significance of this alteration remains unclear.

Labcorp Genetics (formerly Invitae), Labcorp
Classification: Uncertain significance. Last evaluated: 2024-02-06. Review status: criteria provided, single submitter. Criteria: Invitae Variant Classification Sherloc (09022015). Collection method: clinical testing. Allele origin: germline.
Comment: This sequence change replaces glutamine, which is neutral and polar, with arginine, which is basic and polar, at codon 136 of the A2ML1 protein (p.Gln136Arg). This variant is present in population databases (rs759951446, gnomAD 0.01%). This variant has not been reported in the literature in individuals affected with A2ML1-related conditions. ClinVar contains an entry for this variant (Variation ID: 1439180). Algorithms developed to predict the effect of missense changes on protein structure and function output the following: SIFT: "Not Available"; PolyPhen-2: "Benign"; Align-GVGD: "Not Available". The arginine amino acid residue is found in multiple mammalian species, which suggests that this missense change does not adversely affect protein function. In summary, the available evidence is currently insufficient to determine the role of this variant in disease. Therefore, it has been classified as a Variant of Uncertain Significance.

NM_144670.6(A2ML1):c.407A>G (p.Gln136Arg)

Genes: A2ML1 (alpha-2-macroglobulin like 1; plus strand), A2ML1-AS1 (A2ML1 antisense RNA 1; minus strand). Cytogenetic location: 12p13.31.
Variant type: single nucleotide variant.
Coding change: c.407A>G on transcript NM_144670.6 (MANE Select); coding-DNA position 407, A replaced by G.
Protein change: p.Gln136Arg; replaces glutamine 136 with arginine.
Molecular consequence: missense variant.
Genome position (GRCh38, 1-based): chr12:8,823,880, A>G. VCF-style: chr12-8823880-A-G. GRCh37 (hg19) VCF-style: chr12-8976476-A-G.
Other names: short protein forms Q136R.
Identifiers: ClinVar variation 1439180 (VCV001439180.11), dbSNP rs759951446, ClinGen allele CA6435251.